The following is an entry in ClinVar:

NM_001301043.2(CADM1):c.1023AAC[1] (p.Thr353del)

Genes: CADM1 (cell adhesion molecule 1; minus strand), LOC126861346 (MED14-independent group 3 enhancer GRCh37_chr11:115079540-115080739; plus strand). Cytogenetic location: 11q23.3.
Variant type: Microsatellite.
Coding change: c.1023AAC[1] on transcript NM_001301043.2 (MANE Select); one copy of the 3-base unit AAC starting at c.1023; the reference has two copies in a row; one copy, 3 bases deleted.
Protein change: p.Thr353del; deletes threonine 353.
Molecular consequence: inframe deletion. On other transcripts: intron variant (2).
Genome position (GRCh38, 1-based): chr11:115,209,624-115,209,626, GTT deleted on the plus strand (AAC on the coding strand, the reverse complement: CADM1 is on the minus strand); deleting any 3 consecutive bases within chr11:115,209,624-115,209,631 gives the same sequence; the position shown is the placement nearest the transcript's 3' end. VCF-style (leftmost placement, unchanged base first): chr11-115209623-GGTT-G. GRCh37 (hg19) VCF-style: chr11-115080343-GGTT-G.
Other names: c.1023AAC[1], p.Thr353del (NM_001301044.2, NM_014333.4); c.994+4982_994+4984del (NM_001098517.2, NM_001301045.2); short protein forms T353del.
Identifiers: ClinVar variation 2642393 (VCV002642393.24), dbSNP rs767227411, ClinGen allele CA6287537.

ClinVar aggregate classification (germline): Likely benign (1 of 4 stars; one submission).

Submission:

CeGaT Center for Human Genetics Tuebingen
Classification: Likely benign. Last evaluated: 2022-04-01. Review status: criteria provided, single submitter. Criteria: CeGaT Center For Human Genetics Tuebingen Variant Classification Criteria Version 2. Collection method: clinical testing. Allele origin: germline. Affected: yes. Observed: 2 variant alleles.
Comment: CADM1: BP3